The following is an entry in ClinVar:

ClinVar aggregate classification (germline): Benign/Likely benign. Review status: criteria provided, multiple submitters, no conflicts (2 of 4 stars). 13 submissions from 13 submitters: Benign (8); Likely benign (1). 4 of the submissions do not count toward it. Last evaluated 2026-02-04.

Conditions:
Nemaline myopathy 2 (NEM2). Also called: Nemaline myopathy 2, autosomal recessive. Identifiers: MedGen C1850569, MONDO:0009725, OMIM 256030.

Allele frequency attached by ClinVar (database versions not stated): 1000 Genomes Project 30x 0.00656; 1000 Genomes Project 0.00719; TOPMed 0.02038; gnomAD exomes 0.02735 and 0.03674; gnomAD 0.02895 and 0.03008; ESP Exome Variant Server 0.02900; ExAC 0.03153.
gnomAD v4.1: 55,933 of 1,568,874 alleles (3.6%); highest among the groups gnomAD compares: Non-Finnish European, 4.1%; 1,322 homozygotes.

Submissions (13):

Labcorp Genetics (formerly Invitae), Labcorp
Classification: Benign for Nemaline myopathy 2. Last evaluated: 2026-02-04. Review status: criteria provided, single submitter. Criteria: Invitae Variant Classification Sherloc (09022015). Collection method: clinical testing. Allele origin: germline.

Blueprint Genetics
Classification: Likely benign. Last evaluated: 2024-11-26. Review status: criteria provided, single submitter. Criteria: ACMG Guidelines, 2015. Collection method: clinical testing. Allele origin: germline.

Athena Diagnostics
Classification: Benign. Last evaluated: 2024-01-11. Review status: criteria provided, single submitter. Criteria: Athena Diagnostics Criteria. Collection method: clinical testing. Allele origin: unknown.

Women's Health and Genetics/Laboratory Corporation of America, LabCorp
Classification: Benign. Last evaluated: 2021-08-12. Review status: criteria provided, single submitter. Criteria: LabCorp Variant Classification Summary - May 2015. Collection method: clinical testing. Allele origin: germline.
Comment: Variant summary: NEB c.19102-6C>T alters a non-conserved nucleotide located close to a canonical splice site and therefore could affect mRNA splicing, leading to a significantly altered protein sequence. 4/4 computational tools predict no significant impact on normal splicing. However, these predictions have yet to be confirmed by functional studies. The variant allele was found at a frequency of 0.027 in 233910 control chromosomes, predominantly at a frequency of 0.036 within the Non-Finnish European subpopulation in the gnomAD database, including 68 homozygotes. The observed variant frequency within Non-Finnish European control individuals in the gnomAD database is approximately 10 fold of the estimated maximal expected allele frequency for a pathogenic variant in NEB causing Nemaline Myopathy 2 phenotype (0.0035), strongly suggesting that the variant is a benign polymorphism found primarily in populations of Non-Finnish European origin. To our knowledge, no occurrence of c.19102-6C>T in individuals affected with Nemaline Myopathy 2 and no experimental evidence demonstrating its impact on protein function have been reported. Four ClinVar submitters (evaluation after 2014) cite the variant as benign. Based on the evidence outlined above, the variant was classified as benign.

Mayo Clinic Laboratories, Mayo Clinic
Classification: Benign. Last evaluated: 2018-01-15. Review status: criteria provided, single submitter. Criteria: ACMG Guidelines, 2015. Collection method: clinical testing. Allele origin: germline. Observed: 29 variant alleles.

Illumina Laboratory Services, Illumina
Classification: Benign for Nemaline myopathy 2. Last evaluated: 2018-01-13. Review status: criteria provided, single submitter. Criteria: ICSL Variant Classification Criteria 13 December 2019. Collection method: clinical testing. Allele origin: germline.
Comment: This variant was observed in the ICSL laboratory as part of a predisposition screen in an ostensibly healthy population. It had not been previously curated by ICSL or reported in the Human Gene Mutation Database (HGMD: prior to June 1st, 2018), and was therefore a candidate for classification through an automated scoring system. Utilizing variant allele frequency, disease prevalence and penetrance estimates, and inheritance mode, an automated score was calculated to assess if this variant is too frequent to cause the disease. Based on the score and internal cut-off values, a variant classified as benign is not then subjected to further curation. The score for this variant resulted in a classification of benign for this disease.

GeneDx
Classification: Benign. Last evaluated: 2016-02-11. Review status: criteria provided, single submitter. Criteria: GeneDx Variant Classification (06012015). Collection method: clinical testing. Allele origin: germline. Affected: yes.
Comment: This variant is considered likely benign or benign based on one or more of the following criteria: it is a conservative change, it occurs at a poorly conserved position in the protein, it is predicted to be benign by multiple in silico algorithms, and/or has population frequency not consistent with disease.

Breakthrough Genomics
Classification: Benign. Review status: criteria provided, single submitter. Criteria: ACMG Guidelines, 2015. Collection method: not provided. Allele origin: germline. Inheritance: Autosomal recessive inheritance. Affected: yes.

PreventionGenetics, part of Exact Sciences
Classification: Benign. Review status: criteria provided, single submitter. Criteria: ACMG Guidelines, 2015. Collection method: clinical testing. Allele origin: germline.

Natera, Inc.
Classification: Benign for Nemaline myopathy type 2. Last evaluated: 2020-09-16. Review status: no assertion criteria provided. Collection method: clinical testing. Allele origin: germline. Not counted in ClinVar's aggregate classification.

Genetic Services Laboratory, University of Chicago
Classification: Likely benign for AllHighlyPenetrant. Review status: no assertion criteria provided. Collection method: clinical testing. Allele origin: germline. Inheritance: Autosomal recessive inheritance. Not counted in ClinVar's aggregate classification.
Comment: Likely benign based on allele frequency in 1000 Genomes Project or ESP global frequency and its presence in a patient with a rare or unrelated disease phenotype. NOT Sanger confirmed.

Genome Diagnostics Laboratory, University Medical Center Utrecht
Classification: Benign. Review status: no assertion criteria provided. Collection method: clinical testing. Allele origin: germline. Affected: yes. Study: VKGL Data-share Consensus. Not counted in ClinVar's aggregate classification.

Laboratory of Diagnostic Genome Analysis, Leiden University Medical Center (LUMC)
Classification: Likely benign. Review status: no assertion criteria provided. Collection method: clinical testing. Allele origin: germline. Affected: yes. Study: VKGL Data-share Consensus. Not counted in ClinVar's aggregate classification.

NM_001164508.2(NEB):c.19102-6C>T

Gene: NEB (nebulin; minus strand). Cytogenetic location: 2q23.3.
Variant type: single nucleotide variant.
Coding change: c.19102-6C>T on transcript NM_001164508.2 (MANE Select); 6 bases into the intron before coding-DNA position 19102, C replaced by T.
Molecular consequence: intron variant.
Genome position (GRCh38, 1-based): chr2:151,561,114, G>A on the plus strand (C>T on the coding strand, the complement: NEB is on the minus strand). VCF-style: chr2-151561114-G-A. GRCh37 (hg19) VCF-style: chr2-152417628-G-A.
Other names: p.?; c.13999-6C>T (NM_004543.5); c.19102-6C>T (NM_001164507.2, NM_001271208.2).
Identifiers: ClinVar variation 129717 (VCV000129717.28), dbSNP rs145127681, ClinGen allele CA153913.